The following is an entry in ClinVar:

ClinVar aggregate classification (germline): Uncertain significance (1 of 4 stars; one submission).

Conditions:
Familial thoracic aortic aneurysm and aortic dissection (TAAD). Also called: Thoracic aortic aneurysms and dissections. Identifiers: Orphanet 91387, MedGen C4707243, MONDO:0019625.

Submission:

Ambry Genetics
Classification: Uncertain significance for Familial thoracic aortic aneurysm and aortic dissection. Last evaluated: 2025-07-29. Review status: criteria provided, single submitter. Criteria: Ambry Variant Classification Scheme 2023. Collection method: clinical testing. Allele origin: germline.
Comment: The p.S408A variant (also known as c.1222T>G), located in coding exon 7 of the TGFB3 gene, results from a T to G substitution at nucleotide position 1222. The serine at codon 408 is replaced by alanine, an amino acid with similar properties. This amino acid position is conserved. In addition, the in silico prediction for this alteration is inconclusive. Based on the available evidence, the clinical significance of this variant remains unclear.

NM_003239.5(TGFB3):c.1222T>G (p.Ser408Ala)

Gene: TGFB3 (transforming growth factor beta 3; minus strand). Cytogenetic location: 14q24.3.
Variant type: single nucleotide variant.
Coding change: c.1222T>G on transcript NM_003239.5 (MANE Select); coding-DNA position 1222, T replaced by G.
Protein change: p.Ser408Ala; replaces serine 408 with alanine.
Molecular consequence: missense variant.
Genome position (GRCh38, 1-based): chr14:75,959,204, A>C on the plus strand (T>G on the coding strand, the complement: TGFB3 is on the minus strand). VCF-style: chr14-75959204-A-C. GRCh37 (hg19) VCF-style: chr14-76425547-A-C.
Other names: c.1222T>G, p.Ser408Ala (NM_001329939.2); short protein forms S408A.
Identifiers: ClinVar variation 4183556 (VCV004183556.1).